The following is an entry in ClinVar:

ClinVar aggregate classification (germline): Uncertain significance (1 of 4 stars; one submission).

Conditions:
CYFIP2-related disorder. Also called: CYFIP2-related condition.

Submission:

PreventionGenetics, part of Exact Sciences
Classification: Uncertain significance for CYFIP2-related condition. Last evaluated: 2022-09-26. Review status: criteria provided, single submitter. Criteria: ACMG Guidelines, 2015. Collection method: clinical testing. Allele origin: germline.
Comment: The CYFIP2 c.425G>A variant is predicted to result in the amino acid substitution p.Arg142Gln. To our knowledge, this variant has not been reported in the literature or in a large population database, indicating this variant is rare. At this time, the clinical significance of this variant is uncertain due to the absence of conclusive functional and genetic evidence.

NM_001037333.3(CYFIP2):c.425G>A (p.Arg142Gln)

Gene: CYFIP2 (cytoplasmic FMR1 interacting protein 2; plus strand). Cytogenetic location: 5q33.3.
Variant type: single nucleotide variant.
Coding change: c.425G>A on transcript NM_001037333.3 (MANE Select); coding-DNA position 425, G replaced by A.
Protein change: p.Arg142Gln; replaces arginine 142 with glutamine.
Molecular consequence: missense variant.
Genome position (GRCh38, 1-based): chr5:157,300,752, G>A. VCF-style: chr5-157300752-G-A. GRCh37 (hg19) VCF-style: chr5-156727760-G-A.
Other names: c.347G>A, p.Arg116Gln (NM_001291721.2); c.425G>A, p.Arg142Gln (NM_001291722.2, NM_014376.4); short protein forms R116Q, R142Q.
Identifiers: ClinVar variation 2631917 (VCV002631917.1), dbSNP rs2532306059, ClinGen allele CA361966312.
Genomic context (GRCh38, chr5:157,300,752, plus strand): 5'-ACTCACTGCCCCTCTGCCCCCAGCGCAAGGCCATCGAGCGGTTCTGCAGCGAGGTGAAGC[G>A]GCTGTGCCATGCCGAGCGCAGGAAGGACTTTGTCTCTGAGGCCTACCTCCTGACCCTTGG-3'
Protein context (NP_001032410.1, residues 132-152): AIERFCSEVK[Arg142Gln]LCHAERRKDF